The following is an entry in ClinVar:

ClinVar aggregate classification (germline): Benign. Review status: criteria provided, multiple submitters, no conflicts (2 of 4 stars). 4 submissions from 4 submitters: Benign (4). Last evaluated 2024-01-24.

Allele frequency attached by ClinVar (database versions not stated): ESP Exome Variant Server 0.09795; gnomAD 0.10048 and 0.10376; TOPMed 0.10605; gnomAD exomes 0.11253; ExAC 0.11721; 1000 Genomes Project 30x 0.13164; 1000 Genomes Project 0.13718.
gnomAD v4.1: 176,280 of 1,609,508 alleles (11%); highest among the groups gnomAD compares: East Asian, 26%; 10,585 homozygotes.

Submissions (4):

Unidad de Genómica Garrahan, Hospital de Pediatría Garrahan
Classification: Benign. Last evaluated: 2024-01-24. Review status: criteria provided, single submitter. Criteria: ACMG Guidelines, 2015. Collection method: clinical testing. Allele origin: germline. Affected: no. Observed: 18 variant alleles.
Comment: This variant is classified as Benign based on local population frequency. This variant was detected in 20% of patients studied by a panel of primary immunodeficiencies. Number of patients: 18. Only high quality variants are reported.

GeneDx
Classification: Benign. Last evaluated: 2018-07-09. Review status: criteria provided, single submitter. Criteria: GeneDx Variant Classification Process June 2021. Collection method: clinical testing. Allele origin: germline. Affected: yes.

Women's Health and Genetics/Laboratory Corporation of America, LabCorp
Classification: Benign. Last evaluated: 2017-11-28. Review status: criteria provided, single submitter. Criteria: LabCorp Variant Classification Summary - May 2015. Collection method: clinical testing. Allele origin: germline.
Comment: Variant summary: The JAK3 c.1915-30C>T variant involves the alteration of a non-conserved intronic nucleotide and 5/5 splice prediction tools predict no significant impact on normal splicing. ESE finder predicts that this variant may alter ESE binding. However, these predictions have yet to be confirmed by functional studies. This variant was found in 29715/269050 control chromosomes (1955 homozygotes)(gnomAD) at a frequency of 0.1104442, which is approximately 102 times the estimated maximal expected allele frequency of a pathogenic JAK3 variant (0.0010801), suggesting this variant is likely a benign polymorphism. This variant has been reported in 2 patients with SCID (Walshe 2009), however without strong evidence for causality. Taken together, this variant is classified as benign.

Breakthrough Genomics
Classification: Benign. Review status: criteria provided, single submitter. Criteria: ACMG Guidelines, 2015. Collection method: not provided. Allele origin: germline. Inheritance: Autosomal recessive inheritance. Affected: yes.

Literature cited by the submitters: PubMed 10982185 (cited by Women's Health and Genetics/Laboratory Corporation of America, LabCorp).

NM_000215.4(JAK3):c.1915-30C>T

Gene: JAK3 (Janus kinase 3; minus strand). Cytogenetic location: 19p13.11.
Variant type: single nucleotide variant.
Coding change: c.1915-30C>T on transcript NM_000215.4 (MANE Select); 30 bases into the intron before coding-DNA position 1915, C replaced by T.
Molecular consequence: intron variant.
Genome position (GRCh38, 1-based): chr19:17,835,245, G>A on the plus strand (C>T on the coding strand, the complement: JAK3 is on the minus strand). VCF-style: chr19-17835245-G-A. GRCh37 (hg19) VCF-style: chr19-17946054-G-A.
Identifiers: ClinVar variation 632862 (VCV000632862.7), dbSNP rs2072496, ClinGen allele CA9301726.